The following is an entry in ClinVar:

NM_000179.3(MSH6):c.457+52T>A

Gene: MSH6 (mutS homolog 6; plus strand). Cytogenetic location: 2p16.3.
Variant type: single nucleotide variant.
Coding change: c.457+52T>A on transcript NM_000179.3 (MANE Select); 52 bases into the intron after coding-DNA position 457, T replaced by A.
Molecular consequence: intron variant.
Genome position (GRCh38, 1-based): chr2:47,791,175, T>A. VCF-style: chr2-47791175-T-A. GRCh37 (hg19) VCF-style: chr2-48018314-T-A.
Other names: c.-280+52T>A (NM_001281493.2); c.238-7436T>A (NM_001281492.2); c.-446+52T>A (NM_001281494.2).
Identifiers: ClinVar variation 89526 (VCV000089526.24), dbSNP rs3136282, ClinGen allele CA015606.
Genomic context (GRCh38, chr2:47,791,175, plus strand): 5'-CATATACAGGTAAGAGTCACTACTGCCATGTGTGTGTGTTTGTGTGTGTGTGTGTGTGTG[T>A]GAGAGAAACAGACAGACAGGCAGACTTTTTTCTATATGATGAAATTAAGTGTATTTTACC-3'

ClinVar aggregate classification (germline): Benign. Review status: reviewed by expert panel (3 of 4 stars). 12 submissions from 12 submitters: Benign (1). 11 of the submissions do not count toward it. Last evaluated 2013-09-05.

Conditions:
Lynch syndrome. Identifiers: Orphanet 144, MedGen C4552100, MONDO:0005835. Disease mechanism: loss of function.
Lynch syndrome 5 (LYNCH5). Also called: Colorectal cancer, hereditary nonpolyposis, type 5; Hereditary non-polyposis colorectal cancer, type 5. Identifiers: Orphanet 144, MedGen C1833477, MONDO:0013710, OMIM 614350. Disease mechanism: loss of function.
Hereditary cancer-predisposing syndrome. Also called: Neoplastic Syndromes, Hereditary; Hereditary Cancer Syndrome; Tumor predisposition; Hereditary neoplastic syndrome. Identifiers: Orphanet 140162, MedGen C0027672, MeSH D009386, MONDO:0015356.

Allele frequency attached by ClinVar (database versions not stated): gnomAD 0.29585 and 0.28739; gnomAD exomes 0.30680; ESP Exome Variant Server 0.31388; 1000 Genomes Project 0.18550; ExAC 0.27148; TOPMed 0.28006.
gnomAD v4.1: 412,275 of 1,357,364 alleles (30%); highest among the groups gnomAD compares: Non-Finnish European, 34%; 61,652 homozygotes.

Submissions (14):

International Society for Gastrointestinal Hereditary Tumours (InSiGHT)
Classification: Benign for Lynch Syndrome. Last evaluated: 2013-09-05. Review status: reviewed by expert panel. Criteria: Guidelines v1.9. Collection method: research. Allele origin: germline.
Comment: MAF >1%

Classified with v1.9 guidelines
ClinVar note: Converted during submission from no known pathogenicity to Benign.

GeneKor MSA
Classification: Benign for Hereditary cancer-predisposing syndrome. Last evaluated: 2025-07-10. Review status: criteria provided, single submitter. Criteria: ACMG Guidelines, 2015. Collection method: clinical testing. Allele origin: germline. Not counted in ClinVar's aggregate classification.

Blueprint Genetics
Classification: Likely benign. Last evaluated: 2024-11-26. Review status: criteria provided, single submitter. Criteria: ACMG Guidelines, 2015. Collection method: clinical testing. Allele origin: germline. Not counted in ClinVar's aggregate classification.

Unidad de Genómica Garrahan, Hospital de Pediatría Garrahan
Classification: Benign. Last evaluated: 2024-01-24. Review status: criteria provided, single submitter. Criteria: ACMG Guidelines, 2015. Collection method: clinical testing. Allele origin: germline. Affected: no. Observed: 37 variant alleles. Not counted in ClinVar's aggregate classification.
Comment: This variant is classified as Benign based on local population frequency. This variant was detected in 39% of patients studied by a panel of primary immunodeficiencies. Number of patients: 37. Only high quality variants are reported.

KCCC/NGS Laboratory, Kuwait Cancer Control Center
Classification: Benign for Lynch syndrome 5. Last evaluated: 2023-07-07. Review status: criteria provided, single submitter. Criteria: ACMG Guidelines, 2015. Collection method: clinical testing. Allele origin: germline. Affected: yes. Not counted in ClinVar's aggregate classification.

ARUP Laboratories, Molecular Genetics and Genomics, ARUP Laboratories
Classification: Benign. Last evaluated: 2018-07-02. Review status: criteria provided, single submitter. Criteria: ARUP Molecular Germline Variant Investigation Process. Collection method: clinical testing. Allele origin: germline. Not counted in ClinVar's aggregate classification.

GeneDx
Classification: Benign. Last evaluated: 2015-03-03. Review status: criteria provided, single submitter. Criteria: GeneDx Variant Classification Process June 2021. Collection method: clinical testing. Allele origin: germline. Affected: yes. Not counted in ClinVar's aggregate classification.

Breakthrough Genomics
Classification: Benign. Review status: criteria provided, single submitter. Criteria: ACMG Guidelines, 2015. Collection method: not provided. Allele origin: germline. Inheritance: Autosomal recessive inheritance. Affected: yes. Not counted in ClinVar's aggregate classification.

Counsyl
Classification: Benign for Lynch syndrome 5. Last evaluated: 2016-02-10. Review status: no assertion criteria provided. Collection method: clinical testing. Allele origin: unknown. Not counted in ClinVar's aggregate classification.

Clinical Genetics DNA and cytogenetics Diagnostics Lab, Erasmus MC, Erasmus Medical Center
Classification: Benign. Review status: no assertion criteria provided. Collection method: clinical testing. Allele origin: germline. Affected: yes. Study: VKGL Data-share Consensus. Not counted in ClinVar's aggregate classification.

Clinical Genetics Laboratory, Department of Pathology, Netherlands Cancer Institute
Classification: Benign. Review status: no assertion criteria provided. Collection method: clinical testing. Allele origin: germline. Affected: yes. Study: VKGL Data-share Consensus. Not counted in ClinVar's aggregate classification.

Dr. Peter K. Rogan Lab, Western University
No classification provided (evidence only). Condition: Malignant lymphoma, large B-cell, diffuse. Review status: no classification provided. Collection method: in vitro. Allele origin: not applicable. Functional consequence: retained intron. Not counted in ClinVar's aggregate classification.

Dr. Peter K. Rogan Lab, Western University
No classification provided (evidence only). Condition: Germ cell tumor of testis. Review status: no classification provided. Collection method: in vitro. Allele origin: not applicable. Functional consequence: retained intron. Not counted in ClinVar's aggregate classification.

Joint Genome Diagnostic Labs from Nijmegen and Maastricht, Radboudumc and MUMC+
Classification: Benign. Review status: no assertion criteria provided. Collection method: clinical testing. Allele origin: germline. Affected: yes. Study: VKGL Data-share Consensus. Not counted in ClinVar's aggregate classification.